The following is an entry in ClinVar:

ClinVar aggregate classification (germline): Likely pathogenic (1 of 4 stars; one submission).

Conditions:
Progressive familial intrahepatic cholestasis type 2. Identifiers: Orphanet 79304, MedGen C3489789, MONDO:0011156, OMIM 601847.

gnomAD v4.1: 1 of 1,613,388 alleles (0.000062%); highest among the groups gnomAD compares: South Asian, 0.0011%; no homozygotes.

Submission:

Broad Center for Mendelian Genomics, Broad Institute of MIT and Harvard
Classification: Likely pathogenic for Progressive familial intrahepatic cholestasis type 2. Last evaluated: 2025-01-23. Review status: criteria provided, single submitter. Criteria: ACMG Guidelines, 2015. Collection method: curation. Allele origin: germline. Inheritance: Autosomal recessive inheritance.
Comment: The p.Tyr1041Ter variant in ABCB11 has been reported in 2 individuals with BSEP deficiency (10.33612:diss.133430251), and has been identified in 0.001% (1/90784) of South Asian chromosomes by the Genome Aggregation Database (gnomAD; dbSNP rs766964042). Although this variant has been seen in the general population in a heterozygous state, its frequency is low enough to be consistent with a recessive carrier frequency. This nonsense variant leads to a premature termination codon at position 1041, which is predicted to lead to a truncated or absent protein. Loss of function of the ABCB11 gene is an established disease mechanism in autosomal recessive BSEP deficiency. In summary, although additional studies are required to fully establish its clinical significance, this variant is likely pathogenic for autosomal recessive BSEP deficiency. ACMG/AMP criteria applied: PVS1, PM2_supporting (Richards 2015).

NM_003742.4(ABCB11):c.3123T>G (p.Tyr1041Ter)

Gene: ABCB11 (ATP binding cassette subfamily B member 11; minus strand). Cytogenetic location: 2q31.1.
Variant type: single nucleotide variant.
Coding change: c.3123T>G on transcript NM_003742.4 (MANE Select); coding-DNA position 3123, T replaced by G.
Protein change: p.Tyr1041Ter; replaces tyrosine 1041 with a stop codon.
Molecular consequence: nonsense.
Genome position (GRCh38, 1-based): chr2:168,932,467, A>C on the plus strand (T>G on the coding strand, the complement: ABCB11 is on the minus strand). VCF-style: chr2-168932467-A-C. GRCh37 (hg19) VCF-style: chr2-169788977-A-C.
Other names: NM_003742.4:c.3123T>G; short protein forms Y1041*.
Identifiers: ClinVar variation 3776840 (VCV003776840.1).